The following is an entry in ClinVar:

NM_001040108.2(MLH3):c.2410T>A (p.Cys804Ser)

Gene: MLH3 (mutL homolog 3; minus strand). Cytogenetic location: 14q24.3.
Variant type: single nucleotide variant.
Coding change: c.2410T>A on transcript NM_001040108.2 (MANE Select); coding-DNA position 2410, T replaced by A.
Protein change: p.Cys804Ser; replaces cysteine 804 with serine.
Molecular consequence: missense variant.
Genome position (GRCh38, 1-based): chr14:75,047,246, A>T on the plus strand (T>A on the coding strand, the complement: MLH3 is on the minus strand). VCF-style: chr14-75047246-A-T. GRCh37 (hg19) VCF-style: chr14-75513949-A-T.
Other names: c.2410T>A, p.Cys804Ser (NM_014381.3); short protein forms C804S.
Identifiers: ClinVar variation 3049120 (VCV003049120.3), dbSNP rs2503270913, ClinGen allele CA390440696.
Genomic context (GRCh38, chr14:75,047,246, plus strand): 5'-TGTGGCTTGCTGGTTGACAACTACTATCTGAATCACTATGCTCCATAGTAGTGATTTTAC[A>T]AACATCAGAGTTCTCTAAGCGGTTCTTGTCCTTCAGCAGAATGTCAGGTTCAACTTGAAG-3'
Protein context (NP_001035197.1, residues 794-814): DKNRLENSDV[Cys804Ser]KITTMEHSDS

ClinVar aggregate classification (germline): Uncertain significance. Review status: criteria provided, single submitter (1 of 4 stars). 2 submissions from 2 submitters: Uncertain significance (1). 1 of the submissions does not count toward it. Last evaluated 2024-11-01.

Conditions:
MLH3-related disorder. Also called: MLH3-related condition.

Submissions (2):

Ambry Genetics
Classification: Uncertain significance. Last evaluated: 2024-11-01. Review status: criteria provided, single submitter. Criteria: Ambry Variant Classification Scheme 2023. Collection method: clinical testing. Allele origin: germline.
Comment: The p.C804S variant (also known as c.2410T>A), located in coding exon 1 of the MLH3 gene, results from a T to A substitution at nucleotide position 2410. The cysteine at codon 804 is replaced by serine, an amino acid with dissimilar properties. This amino acid position is conserved. In addition, this alteration is predicted to be tolerated by in silico analysis. Based on the available evidence, the clinical significance of this variant remains unclear.

PreventionGenetics, part of Exact Sciences
Classification: Uncertain significance for MLH3-related condition. Last evaluated: 2024-01-17. Review status: no assertion criteria provided. Collection method: clinical testing. Allele origin: germline. Not counted in ClinVar's aggregate classification.
Comment: The MLH3 c.2410T>A variant is predicted to result in the amino acid substitution p.Cys804Ser. To our knowledge, this variant has not been reported in the literature or in a large population database, indicating this variant is rare. At this time, the clinical significance of this variant is uncertain due to the absence of conclusive functional and genetic evidence.